The following is an entry in ClinVar:

ClinVar aggregate classification (germline): Benign/Likely benign. Review status: criteria provided, multiple submitters, no conflicts (2 of 4 stars). 6 submissions from 6 submitters: Benign (1); Likely benign (4). 1 of the submissions does not count toward it. Last evaluated 2025-08-04.

Conditions:
Schinzel-Giedion syndrome (SGS). Identifiers: Orphanet 798, MedGen C0265227, MONDO:0010010, OMIM 269150.
SETBP1-related disorder. Also called: SETBP1-related condition; SETBP1-related disorders.

Allele frequency attached by ClinVar (database versions not stated): ExAC 0.00006; gnomAD exomes 0.00012; 1000 Genomes Project 30x 0.00016; gnomAD 0.00019 and 0.00020; TOPMed 0.00019; 1000 Genomes Project 0.00020.
gnomAD v4.1: 145 of 1,614,138 alleles (0.009%); highest among the groups gnomAD compares: Admixed American, 0.068%; 1 homozygote.

Submissions (6):

Labcorp Genetics (formerly Invitae), Labcorp
Classification: Likely benign. Last evaluated: 2025-08-04. Review status: criteria provided, single submitter. Criteria: Invitae Variant Classification Sherloc (09022015). Collection method: clinical testing. Allele origin: germline.

Blueprint Genetics
Classification: Likely benign. Last evaluated: 2024-07-11. Review status: criteria provided, single submitter. Criteria: ACMG Guidelines, 2015. Collection method: clinical testing. Allele origin: germline.

CeGaT Center for Human Genetics Tuebingen
Classification: Likely benign. Last evaluated: 2024-01-01. Review status: criteria provided, single submitter. Criteria: CeGaT Center For Human Genetics Tuebingen Variant Classification Criteria Version 2. Collection method: clinical testing. Allele origin: germline. Affected: yes. Observed: 1 variant allele.
Comment: SETBP1: BP4, BS2

KCCC/NGS Laboratory, Kuwait Cancer Control Center
Classification: Likely benign for Schinzel-Giedion syndrome. Last evaluated: 2023-07-07. Review status: criteria provided, single submitter. Criteria: ACMG Guidelines, 2015. Collection method: clinical testing. Allele origin: germline. Affected: yes.

GeneDx
Classification: Benign. Last evaluated: 2019-12-26. Review status: criteria provided, single submitter. Criteria: GeneDx Variant Classification Process June 2021. Collection method: clinical testing. Allele origin: germline. Affected: yes.

PreventionGenetics, part of Exact Sciences
Classification: Likely benign for SETBP1-related condition. Last evaluated: 2024-08-15. Review status: no assertion criteria provided. Collection method: clinical testing. Allele origin: germline. Not counted in ClinVar's aggregate classification.
Comment: This variant is classified as likely benign based on ACMG/AMP sequence variant interpretation guidelines (Richards et al. 2015 PMID: 25741868, with internal and published modifications).

NM_015559.3(SETBP1):c.3883G>A (p.Val1295Met)

Gene: SETBP1 (SET binding protein 1; plus strand). Cytogenetic location: 18q12.3.
Variant type: single nucleotide variant.
Coding change: c.3883G>A on transcript NM_015559.3 (MANE Select); coding-DNA position 3883, G replaced by A.
Protein change: p.Val1295Met; replaces valine 1295 with methionine.
Molecular consequence: missense variant.
Genome position (GRCh38, 1-based): chr18:44,953,223, G>A. VCF-style: chr18-44953223-G-A. GRCh37 (hg19) VCF-style: chr18-42533188-G-A.
Other names: c.3883G>A, p.Val1295Met (LRG_1150t1); short protein forms V1295M.
Identifiers: ClinVar variation 1294470 (VCV001294470.33), dbSNP rs563768215, ClinGen allele CA8946011.